The following is an entry in ClinVar:

NM_000179.3(MSH6):c.1450G>A (p.Glu484Lys)

Gene: MSH6 (mutS homolog 6; plus strand). Cytogenetic location: 2p16.3.
Variant type: single nucleotide variant.
Coding change: c.1450G>A on transcript NM_000179.3 (MANE Select); coding-DNA position 1450, G replaced by A.
Protein change: p.Glu484Lys; replaces glutamic acid 484 with lysine.
Molecular consequence: missense variant.
Genome position (GRCh38, 1-based): chr2:47,799,433, G>A. VCF-style: chr2-47799433-G-A. GRCh37 (hg19) VCF-style: chr2-48026572-G-A.
Other names: c.1060G>A, p.Glu354Lys (NM_001281492.2); c.544G>A, p.Glu182Lys (NM_001281493.2, NM_001281494.2); short protein forms E484K, E182K, E354K.
Identifiers: ClinVar variation 216297 (VCV000216297.15), dbSNP rs587782706, ClinGen allele CA338881.

ClinVar aggregate classification (germline): Conflicting classifications of pathogenicity. Review status: criteria provided, conflicting classifications (1 of 4 stars). 4 submissions from 4 submitters: Pathogenic (2); Likely pathogenic (1); Uncertain significance (1). Last evaluated 2025-07-31.

Conditions:
Inherited ovarian cancer (without breast cancer).
Hereditary nonpolyposis colorectal neoplasms. Identifiers: MedGen C0009405, MeSH D003123.
Hereditary cancer-predisposing syndrome. Also called: Hereditary Cancer Syndrome; Hereditary neoplastic syndrome; Neoplastic Syndromes, Hereditary; Tumor predisposition. Identifiers: Orphanet 140162, MedGen C0027672, MeSH D009386, MONDO:0015356.
Lynch syndrome. Identifiers: Orphanet 144, MedGen C4552100, MONDO:0005835. Disease mechanism: loss of function.

Allele frequency attached by ClinVar (database versions not stated): TOPMed below 0.00001.
gnomAD v4.1: 1 of 1,614,084 alleles (0.000062%); highest among the groups gnomAD compares: Non-Finnish European, 0.000085%; no homozygotes.

Submissions (4):

Labcorp Genetics (formerly Invitae), Labcorp
Classification: Pathogenic for Hereditary nonpolyposis colorectal neoplasms. Last evaluated: 2025-07-31. Review status: criteria provided, single submitter. Criteria: Invitae Variant Classification Sherloc (09022015). Collection method: clinical testing. Allele origin: germline.
Comment: This sequence change replaces glutamic acid, which is acidic and polar, with lysine, which is basic and polar, at codon 484 of the MSH6 protein (p.Glu484Lys). This variant is not present in population databases (gnomAD no frequency). This missense change has been observed in individual(s) with clinical features of Lynch syndrome (PMID: 32635641; internal data). Invitae Evidence Modeling of clinical and family history, age, sex, and reported ancestry of multiple individuals with this MSH6 variant has been performed. This variant is expected to be pathogenic with a positive predictive value of at least 99%. This is a validated machine learning model that incorporates the clinical features of 1,627,235 individuals referred to our laboratory for MSH6 testing. ClinVar contains an entry for this variant (Variation ID: 216297). An algorithm developed specifically for the MSH6 gene suggests that this missense change is likely to be deleterious (PMID: 23621914). This variant disrupts the p.Glu484 amino acid residue in MSH6. Other variant(s) that disrupt this residue have been observed in individuals with MSH6-related conditions (internal data), which suggests that this may be a clinically significant amino acid residue. For these reasons, this variant has been classified as Pathogenic.

NHS Central & South Genomic Laboratory Hub
Classification: Likely pathogenic for Inherited ovarian cancer (without breast cancer). Last evaluated: 2024-11-11. Review status: criteria provided, single submitter. Criteria: ACMG Guidelines, 2015. Collection method: clinical testing. Allele origin: germline. Affected: yes.

Ambry Genetics
Classification: Pathogenic for Hereditary cancer-predisposing syndrome. Last evaluated: 2024-05-21. Review status: criteria provided, single submitter. Criteria: Ambry Variant Classification Scheme 2023. Collection method: clinical testing. Allele origin: germline.
Comment: The p.E484K pathogenic mutation (also known as c.1450G>A), located in coding exon 4 of the MSH6 gene, results from a G to A substitution at nucleotide position 1450. The glutamic acid at codon 484 is replaced by lysine, an amino acid with similar properties. This variant has been reported in an individual with MSI-H colorectal cancer that showed loss of MSH6 protein by immunohistochemistry; this individual also met Amsterdam criteria for Lynch syndrome (D&aacute;maso E et al. Cancers (Basel), 2020 Jul;12:). Based on internal structural analysis, this variant is deleterious, is moderately destabilizing to the local structure, and is more destabilizing than nearby likely pathogenic variants (Ambry internal data). This amino acid position is highly conserved in available vertebrate species. In addition, this alteration is predicted to be deleterious by in silico analysis. This variant is considered to be rare based on population cohorts in the Genome Aggregation Database (gnomAD). Based on the supporting evidence, this variant is interpreted as a disease-causing mutation.

All of Us Research Program, National Institutes of Health
Classification: Uncertain significance for Lynch syndrome. Last evaluated: 2023-06-26. Review status: criteria provided, single submitter. Criteria: ACMG Guidelines, 2015. Collection method: clinical testing. Allele origin: germline. Inheritance: Autosomal dominant inheritance. Observed: 1 variant allele, 1 heterozygote.
Comment: This missense variant replaces glutamic acid with lysine at codon 484 of the MSH6 protein. Computational prediction suggests that this variant may have deleterious impact on protein structure and function (internally defined REVEL score threshold >= 0.7, PMID: 27666373). To our knowledge, functional studies have not been reported for this variant. This variant has been reported in an individual affected with colorectal cancer that exhibited microsatellite instability and loss of MSH6 protein by immunohistochemistry analysis (PMID: 32635641). This variant has not been identified in the general population by the Genome Aggregation Database (gnomAD). The available evidence is insufficient to determine the role of this variant in disease conclusively. Therefore, this variant is classified as a Variant of Uncertain Significance.

This study involves interpretation of variants in research participants for the purpose of population health screening. Participant phenotype was not available at the time of variant classification. Additional details can be found in publication PMID: 35346344, PMCID: PMC8962531

Literature cited by the submitters: PubMed 32635641 (cited by 3 submitters); PubMed 23621914 (cited by Labcorp Genetics (formerly Invitae), Labcorp).